The following is an entry in ClinVar:

NM_198271.5(LMOD3):c.430G>A (p.Asp144Asn)

Gene: LMOD3 (leiomodin 3; minus strand). Cytogenetic location: 3p14.1.
Variant type: single nucleotide variant.
Coding change: c.430G>A on transcript NM_198271.5 (MANE Select); coding-DNA position 430, G replaced by A.
Protein change: p.Asp144Asn; replaces aspartic acid 144 with asparagine.
Molecular consequence: missense variant.
Genome position (GRCh38, 1-based): chr3:69,119,925, C>T on the plus strand (G>A on the coding strand, the complement: LMOD3 is on the minus strand). VCF-style: chr3-69119925-C-T. GRCh37 (hg19) VCF-style: chr3-69169076-C-T.
Other names: c.430G>A, p.Asp144Asn (NM_001304418.3); short protein forms D144N.
Identifiers: ClinVar variation 2080369 (VCV002080369.1), dbSNP rs373684642, ClinGen allele CA2488988.
Genomic context (GRCh38, chr3:69,119,925, plus strand): 5'-CACCATCATCTTCTCCTTCGTCGTCATCATCATCATCTTCTTCTTCTTCATCTTCTTCAT[C>T]TGTTTCTTGGATATTGCTGCTGCCCTTTGATTCTCTTTTATTTGCAACTATTTCATTATT-3'
Protein context (NP_938012.2, residues 134-154): SKGSSNIQET[Asp144Asn]EEDEEEEDDD

ClinVar aggregate classification (germline): Uncertain significance (1 of 4 stars; one submission).

Conditions:
Nemaline myopathy 10 (NEM10). Identifiers: MedGen C4015360, MONDO:0014513, OMIM 616165.

Allele frequency attached by ClinVar (database versions not stated): gnomAD 0.00002; gnomAD exomes 0.00002; TOPMed 0.00002; ESP Exome Variant Server 0.00008; ExAC 0.00010.

Submission:

Labcorp Genetics (formerly Invitae), Labcorp
Classification: Uncertain significance for Nemaline myopathy 10. Last evaluated: 2022-07-21. Review status: criteria provided, single submitter. Criteria: Invitae Variant Classification Sherloc (09022015). Collection method: clinical testing. Allele origin: germline.
Comment: This sequence change replaces aspartic acid, which is acidic and polar, with asparagine, which is neutral and polar, at codon 144 of the LMOD3 protein (p.Asp144Asn). This variant is present in population databases (rs373684642, gnomAD 0.005%). This variant has not been reported in the literature in individuals affected with LMOD3-related conditions. Algorithms developed to predict the effect of missense changes on protein structure and function output the following: SIFT: "Tolerated"; PolyPhen-2: "Benign"; Align-GVGD: "Class C0". The asparagine amino acid residue is found in multiple mammalian species, which suggests that this missense change does not adversely affect protein function. In summary, the available evidence is currently insufficient to determine the role of this variant in disease. Therefore, it has been classified as a Variant of Uncertain Significance.